The following is an entry in ClinVar:

ClinVar aggregate classification (germline): Uncertain significance (1 of 4 stars; one submission).

Conditions:
Hyperaldosteronism, familial, type IV (HALD4). Also called: FH IV; ALDOSTERONISM, PRIMARY, AND HYPERTENSION. Identifiers: Orphanet 642671, MedGen C4310756, MONDO:0014875, OMIM 617027.
Idiopathic generalized epilepsy. Also called: EIG; Generalised epilepsy. Identifiers: MedGen C0270850, MONDO:0005579, OMIM 600669.

Submission:

Labcorp Genetics (formerly Invitae), Labcorp
Classification: Uncertain significance for Idiopathic generalized epilepsy; Hyperaldosteronism, familial, type IV. Last evaluated: 2025-06-10. Review status: criteria provided, single submitter. Criteria: Invitae Variant Classification Sherloc (09022015). Collection method: clinical testing. Allele origin: germline.
Comment: This variant, c.5920_5946del, results in the deletion of 9 amino acid(s) of the CACNA1H protein (p.Glu1974_Pro1982del), but otherwise preserves the integrity of the reading frame. This variant is not present in population databases (gnomAD no frequency). This variant has not been reported in the literature in individuals affected with CACNA1H-related conditions. Experimental studies and prediction algorithms are not available or were not evaluated, and the functional significance of this variant is currently unknown. In summary, the available evidence is currently insufficient to determine the role of this variant in disease. Therefore, it has been classified as a Variant of Uncertain Significance.

NM_021098.3(CACNA1H):c.5920_5946del (p.Glu1974_Pro1982del)

Gene: CACNA1H (calcium voltage-gated channel subunit alpha1 H; plus strand). Cytogenetic location: 16p13.3.
Variant type: Deletion.
Coding change: c.5920_5946del on transcript NM_021098.3 (MANE Select); coding-DNA positions 5920 to 5946, 27 bases deleted (GAGTCCTGTGCCTCCCTCCAGATCCCA).
Protein change: p.Glu1974_Pro1982del.
Genome position (GRCh38, 1-based): chr16:1,219,002-1,219,028, GAGTCCTGTGCCTCCCTCCAGATCCCA deleted; deleting any 27 consecutive bases within chr16:1,219,000-1,219,028 gives the same sequence; the c. name uses the placement nearest the transcript's 3' end. VCF-style (leftmost placement, unchanged base first): chr16-1218999-GCAGAGTCCTGTGCCTCCCTCCAGATCC-G. GRCh37 (hg19) VCF-style: chr16-1268999-GCAGAGTCCTGTGCCTCCCTCCAGATCC-G.
Other names: c.5902_5928del, p.Glu1968_Pro1976del (NM_001005407.2).
Identifiers: ClinVar variation 4785250 (VCV004785250.1).